The following is an entry in ClinVar:

NM_001378418.1(TCF20):c.1434C>T (p.Ala478=)

Gene: TCF20 (transcription factor 20; minus strand). Cytogenetic location: 22q13.2.
Variant type: single nucleotide variant.
Coding change: c.1434C>T on transcript NM_001378418.1 (MANE Select); coding-DNA position 1434, C replaced by T.
Protein change: p.Ala478=; no amino-acid change (alanine 478 retained).
Molecular consequence: synonymous variant.
Genome position (GRCh38, 1-based): chr22:42,213,872, G>A on the plus strand (C>T on the coding strand, the complement: TCF20 is on the minus strand). VCF-style: chr22-42213872-G-A. GRCh37 (hg19) VCF-style: chr22-42609878-G-A.
Other names: c.1434C>T, p.Ala478= (NM_005650.4, NM_181492.3).
Identifiers: ClinVar variation 4986925 (VCV004986925.1).
Genomic context (GRCh38, chr22:42,213,872, plus strand): 5'-GCAGCTATCTGCTTTCTTGGAAGATGAGGGCCTCTTGGAGGTCTTCTTCTGAGGAGTCAG[G>A]GCATCAGAAAGTAACATGTGCTGGACAGTGTTAGGAAGATTGGCCACTTGAGTACTCAGA-3'
Protein context (NP_001365347.1, residues 468-488): NTVQHMLLSD[Ala478=]LTPQKKTSKR

ClinVar aggregate classification (germline): Likely benign (1 of 4 stars; one submission).

Conditions:
TCF20-related disorder. Also called: TCF20-related condition.

gnomAD v4.1: 83 of 1,614,036 alleles (0.0051%); highest among the groups gnomAD compares: Non-Finnish European, 0.0064%; no homozygotes.

Submission:

PreventionGenetics, part of Exact Sciences
Classification: Likely benign for TCF20-related condition. Last evaluated: 2024-12-18. Review status: criteria provided, single submitter. Criteria: ACMG Guidelines, 2015. Collection method: clinical testing. Allele origin: germline.
Comment: This variant is classified as likely benign based on ACMG/AMP sequence variant interpretation guidelines (Richards et al. 2015 PMID: 25741868, with internal and published modifications).